The following is an entry in ClinVar:

NM_013447.4(ADGRE2):c.499T>C (p.Cys167Arg)

Gene: ADGRE2 (adhesion G protein-coupled receptor E2; minus strand). Cytogenetic location: 19p13.12.
Variant type: single nucleotide variant.
Coding change: c.499T>C on transcript NM_013447.4 (MANE Select); coding-DNA position 499, T replaced by C.
Protein change: p.Cys167Arg; replaces cysteine 167 with arginine.
Molecular consequence: missense variant. On other transcripts: intron variant (2).
Genome position (GRCh38, 1-based): chr19:14,766,370, A>G on the plus strand (T>C on the coding strand, the complement: ADGRE2 is on the minus strand). VCF-style: chr19-14766370-A-G. GRCh37 (hg19) VCF-style: chr19-14877182-A-G.
Other names: c.499T>C, p.Cys167Arg (NM_001271052.1); c.356-566T>C (NM_152917.2); c.488-566T>C (NM_152916.2); c.499T>C (NM_013447.2); short protein forms C167R.
Identifiers: ClinVar variation 3044484 (VCV003044484.4), dbSNP rs149621907, ClinGen allele CA9258108.
Genomic context (GRCh38, chr19:14,766,370, plus strand): 5'-AGCTGCCCACGTTGTTGAGGCAGTGGGTGGAGCTGTGGCATGGGTTTTGTCCGGAGGTGC[A>G]TTCATTCACATCTGAGGACAAAGCCAGAGGGTCAAACCCTGTCCCTGACCAGCCTGGGCC-3'
Protein context (NP_038475.2, residues 157-177): DPKLCTDVNE[Cys167Arg]TSGQNPCHSS

ClinVar aggregate classification (germline): Conflicting classifications of pathogenicity. Review status: criteria provided, conflicting classifications (1 of 4 stars). 3 submissions from 3 submitters: Uncertain significance (1); Likely benign (1). 1 of the submissions does not count toward it. Last evaluated 2025-08-23.

Conditions:
ADGRE2-related disorder. Also called: ADGRE2-related condition.

Allele frequency attached by ClinVar (database versions not stated): ESP Exome Variant Server 0.00054; gnomAD 0.00164; TOPMed 0.00198; 1000 Genomes Project 30x 0.00219; 1000 Genomes Project 0.00260.
gnomAD v4.1: 858 of 1,613,768 alleles (0.053%); highest among the groups gnomAD compares: African/African-American, 0.49%; 1 homozygote.

Submissions (3):

Ambry Genetics
Classification: Uncertain significance. Last evaluated: 2025-08-23. Review status: criteria provided, single submitter. Criteria: Ambry Variant Classification Scheme 2023. Collection method: clinical testing. Allele origin: germline.

Blueprint Genetics
Classification: Likely benign. Last evaluated: 2024-11-05. Review status: criteria provided, single submitter. Criteria: ACMG Guidelines, 2015. Collection method: clinical testing. Allele origin: germline.

PreventionGenetics, part of Exact Sciences
Classification: Benign for ADGRE2-related condition. Last evaluated: 2019-10-31. Review status: no assertion criteria provided. Collection method: clinical testing. Allele origin: germline. Not counted in ClinVar's aggregate classification.
Comment: This variant is classified as benign based on ACMG/AMP sequence variant interpretation guidelines (Richards et al. 2015 PMID: 25741868, with internal and published modifications).